The following is an entry in ClinVar:

ClinVar aggregate classification (germline): Uncertain significance (1 of 4 stars; one submission).

Submission:

Labcorp Genetics (formerly Invitae), Labcorp
Classification: Uncertain significance. Last evaluated: 2025-09-15. Review status: criteria provided, single submitter. Criteria: Invitae Variant Classification Sherloc (09022015). Collection method: clinical testing. Allele origin: germline.
Comment: This sequence change replaces proline, which is neutral and non-polar, with threonine, which is neutral and polar, at codon 92 of the ATP2B2 protein (p.Pro92Thr). This variant is not present in population databases (gnomAD no frequency). This variant has not been reported in the literature in individuals affected with ATP2B2-related conditions. Invitae Evidence Modeling of protein sequence and biophysical properties (such as structural, functional, and spatial information, amino acid conservation, physicochemical variation, residue mobility, and thermodynamic stability) has been performed for this missense variant. However, the output from this modeling did not meet the statistical confidence thresholds required to predict the impact of this variant on ATP2B2 protein function. In summary, the available evidence is currently insufficient to determine the role of this variant in disease. Therefore, it has been classified as a Variant of Uncertain Significance.

NM_001001331.4(ATP2B2):c.274C>A (p.Pro92Thr)

Gene: ATP2B2 (ATPase plasma membrane Ca2+ transporting 2; minus strand). Cytogenetic location: 3p25.3.
Variant type: single nucleotide variant.
Coding change: c.274C>A on transcript NM_001001331.4 (MANE Select); coding-DNA position 274, C replaced by A.
Protein change: p.Pro92Thr; replaces proline 92 with threonine.
Molecular consequence: missense variant.
Genome position (GRCh38, 1-based): chr3:10,410,741, G>T on the plus strand (C>A on the coding strand, the complement: ATP2B2 is on the minus strand). VCF-style: chr3-10410741-G-T. GRCh37 (hg19) VCF-style: chr3-10452425-G-T.
Other names: c.274C>A, p.Pro92Thr (NM_001330611.3, NM_001353564.1, NM_001363862.1 and 3 more transcripts); short protein forms P92T.
Identifiers: ClinVar variation 4744395 (VCV004744395.1).
Genomic context (GRCh38, chr3:10,410,741, plus strand): 5'-CCAGGATGATGAGCGTCACGTCCTGCAGCGCCTCCCACACGAGCTGCAGGAAGGTTTTTG[G>T]CTTCTTTGGAGGTATAAAGTTTTGCCCAAAAATTTGCTTTCTCTTTTCCAGGTCTGGAGC-3'
Protein context (NP_001001331.1, residues 82-102): FGQNFIPPKK[Pro92Thr]KTFLQLVWEA